The following is an entry in ClinVar:

ClinVar aggregate classification (germline): Uncertain significance. Review status: criteria provided, multiple submitters, no conflicts (2 of 4 stars). 4 submissions from 4 submitters: Uncertain significance (4). Last evaluated 2025-12-24.

Conditions:
Malignant tumor of urinary bladder. Also called: Bladder cancer; Urinary Bladder Neoplasms; Urinary bladder cancer. Identifiers: MedGen C0005684, MONDO:0001187, OMIM 109800.
Hereditary cancer-predisposing syndrome. Also called: Tumor predisposition; Hereditary neoplastic syndrome; Neoplastic Syndromes, Hereditary; Hereditary Cancer Syndrome. Identifiers: Orphanet 140162, MedGen C0027672, MeSH D009386, MONDO:0015356.
Retinoblastoma (RB1). Also called: RETINOBLASTOMA, SOMATIC. Identifiers: Orphanet 790, MedGen C0035335, MeSH D012175, MONDO:0008380, OMIM 180200, HP:0009919. Disease mechanism: loss of function. Inheritance: Both sporadic and heritable forms are tested..

Allele frequency attached by ClinVar (database versions not stated): gnomAD exomes below 0.00001.

Submissions (4):

Labcorp Genetics (formerly Invitae), Labcorp
Classification: Uncertain significance for Retinoblastoma. Last evaluated: 2025-12-24. Review status: criteria provided, single submitter. Criteria: Invitae Variant Classification Sherloc (09022015). Collection method: clinical testing. Allele origin: germline.
Comment: This sequence change replaces aspartic acid, which is acidic and polar, with glycine, which is neutral and non-polar, at codon 479 of the RB1 protein (p.Asp479Gly). This variant is not present in population databases (gnomAD no frequency). This variant has not been reported in the literature in individuals affected with RB1-related conditions. ClinVar contains an entry for this variant (Variation ID: 1496135). Invitae Evidence Modeling of protein sequence and biophysical properties (such as structural, functional, and spatial information, amino acid conservation, physicochemical variation, residue mobility, and thermodynamic stability) indicates that this missense variant is not expected to disrupt RB1 protein function with a negative predictive value of 80%. In summary, the available evidence is currently insufficient to determine the role of this variant in disease. Therefore, it has been classified as a Variant of Uncertain Significance.

Ambry Genetics
Classification: Uncertain significance for Hereditary cancer-predisposing syndrome. Last evaluated: 2024-01-09. Review status: criteria provided, single submitter. Criteria: Ambry Variant Classification Scheme 2023. Collection method: clinical testing. Allele origin: germline.
Comment: The p.D479G variant (also known as c.1436A>G), located in coding exon 16 of the RB1 gene, results from an A to G substitution at nucleotide position 1436. The aspartic acid at codon 479 is replaced by glycine, an amino acid with similar properties. This amino acid position is well conserved in available vertebrate species. In addition, the in silico prediction for this alteration is inconclusive. Since supporting evidence is limited at this time, the clinical significance of this alteration remains unclear.

Baylor Genetics
Classification: Uncertain significance for Malignant tumor of urinary bladder. Last evaluated: 2023-11-08. Review status: criteria provided, single submitter. Criteria: ACMG Guidelines, 2015. Collection method: clinical testing. Allele origin: unknown.

All of Us Research Program, National Institutes of Health
Classification: Uncertain significance for Retinoblastoma. Last evaluated: 2023-11-02. Review status: criteria provided, single submitter. Criteria: ACMG Guidelines, 2015. Collection method: clinical testing. Allele origin: germline. Inheritance: Autosomal dominant inheritance. Observed: 1 variant allele, 1 heterozygote.
Comment: This missense variant replaces aspartic acid with glycine at codon 479 of the RB1 protein. Computational prediction suggests that this variant may have deleterious impact on protein structure and function (internally defined REVEL score threshold >= 0.7, PMID: 27666373). To our knowledge, functional studies have not been reported for this variant. This variant has not been reported in individuals affected with RB1-related disorders in the literature. This variant has not been identified in the general population by the Genome Aggregation Database (gnomAD). The available evidence is insufficient to determine the role of this variant in disease conclusively. Therefore, this variant is classified as a Variant of Uncertain Significance.

This study involves interpretation of variants in research participants for the purpose of population health screening. Participant phenotype was not available at the time of variant classification. Additional details can be found in publication PMID: 35346344, PMCID: PMC8962531

NM_000321.3(RB1):c.1436A>G (p.Asp479Gly)

Gene: RB1 (RB transcriptional corepressor 1; plus strand). Cytogenetic location: 13q14.2.
Variant type: single nucleotide variant.
Coding change: c.1436A>G on transcript NM_000321.3 (MANE Select); coding-DNA position 1436, A replaced by G.
Protein change: p.Asp479Gly; replaces aspartic acid 479 with glycine.
Molecular consequence: missense variant.
Genome position (GRCh38, 1-based): chr13:48,380,179, A>G. VCF-style: chr13-48380179-A-G. GRCh37 (hg19) VCF-style: chr13-48954315-A-G.
Other names: c.1436A>G (NM_000321.2); short protein forms D479G.
Identifiers: ClinVar variation 1496135 (VCV001496135.9), dbSNP rs2138142793, ClinGen allele CA388162788.